The following is an entry in ClinVar:

ClinVar aggregate classification (germline): Uncertain significance. Review status: criteria provided, multiple submitters, no conflicts (2 of 4 stars). 2 submissions from 2 submitters: Uncertain significance (2). Last evaluated 2025-06-18.

Conditions:
Hereditary cancer-predisposing syndrome. Also called: Tumor predisposition; Neoplastic Syndromes, Hereditary; Hereditary Cancer Syndrome; Hereditary neoplastic syndrome. Identifiers: Orphanet 140162, MedGen C0027672, MeSH D009386, MONDO:0015356.
Bloom syndrome (BLM). Also called: Bloom-Torre-Machacek syndrome. Identifiers: Orphanet 125, MedGen C0005859, MONDO:0008876, OMIM 210900.

Submissions (2):

Labcorp Genetics (formerly Invitae), Labcorp
Classification: Uncertain significance for Bloom syndrome. Last evaluated: 2025-06-18. Review status: criteria provided, single submitter. Criteria: Invitae Variant Classification Sherloc (09022015). Collection method: clinical testing. Allele origin: germline.
Comment: This sequence change replaces threonine, which is neutral and polar, with serine, which is neutral and polar, at codon 691 of the BLM protein (p.Thr691Ser). This variant is not present in population databases (gnomAD no frequency). This variant has not been reported in the literature in individuals affected with BLM-related conditions. ClinVar contains an entry for this variant (Variation ID: 1381148). Invitae Evidence Modeling of protein sequence and biophysical properties (such as structural, functional, and spatial information, amino acid conservation, physicochemical variation, residue mobility, and thermodynamic stability) indicates that this missense variant is expected to disrupt BLM protein function with a positive predictive value of 80%. In summary, the available evidence is currently insufficient to determine the role of this variant in disease. Therefore, it has been classified as a Variant of Uncertain Significance.

Ambry Genetics
Classification: Uncertain significance for Hereditary cancer-predisposing syndrome. Last evaluated: 2021-07-31. Review status: criteria provided, single submitter. Criteria: Ambry Variant Classification Scheme 2023. Collection method: clinical testing. Allele origin: germline.
Comment: The p.T691S variant (also known as c.2071A>T), located in coding exon 7 of the BLM gene, results from an A to T substitution at nucleotide position 2071. The threonine at codon 691 is replaced by serine, an amino acid with similar properties. This amino acid position is conserved. In addition, this alteration is predicted to be deleterious by in silico analysis. Since supporting evidence is limited at this time, the clinical significance of this alteration remains unclear.

NM_000057.4(BLM):c.2071A>T (p.Thr691Ser)

Gene: BLM (BLM RecQ like helicase; plus strand). Cytogenetic location: 15q26.1.
Variant type: single nucleotide variant.
Coding change: c.2071A>T on transcript NM_000057.4 (MANE Select); coding-DNA position 2071, A replaced by T.
Protein change: p.Thr691Ser; replaces threonine 691 with serine.
Molecular consequence: missense variant.
Genome position (GRCh38, 1-based): chr15:90,763,154, A>T. VCF-style: chr15-90763154-A-T. GRCh37 (hg19) VCF-style: chr15-91306384-A-T.
Other names: c.2071A>T, p.Thr691Ser (NM_001287246.2, NM_001287247.2); c.946A>T, p.Thr316Ser (NM_001287248.2); short protein forms T316S, T691S.
Identifiers: ClinVar variation 1381148 (VCV001381148.8), dbSNP rs2151160830, ClinGen allele CA393844487.
Genomic context (GRCh38, chr15:90,763,154, plus strand): 5'-AATCAGCTAGAGGCGATCAATGCTGCACTGCTTGGTGAAGACTGTTTTATCCTGATGCCG[A>T]CTGGTATGTATTTTTAGAAGTGAATTGGCAGGAATCCATTGGCAGATGTTAAATGAAAGC-3'
Protein context (NP_000048.1, residues 681-701): LGEDCFILMP[Thr691Ser]GGGKSLCYQL